The following is an entry in ClinVar:

NM_015057.5(MYCBP2):c.6342A>G (p.Gly2114=)

Gene: MYCBP2 (MYC binding protein 2; minus strand). Cytogenetic location: 13q22.3.
Variant type: single nucleotide variant.
Coding change: c.6342A>G on transcript NM_015057.5 (MANE Select); coding-DNA position 6342, A replaced by G.
Protein change: p.Gly2114=; no amino-acid change (glycine 2114 retained).
Molecular consequence: synonymous variant.
Genome position (GRCh38, 1-based): chr13:77,165,390, T>C on the plus strand (A>G on the coding strand, the complement: MYCBP2 is on the minus strand). VCF-style: chr13-77165390-T-C. GRCh37 (hg19) VCF-style: chr13-77739525-T-C.
Identifiers: ClinVar variation 3042718 (VCV003042718.2), dbSNP rs141626388, ClinGen allele CA7009255.

ClinVar aggregate classification (germline): Likely benign (0 of 4 stars; one submission).

Conditions:
MYCBP2-related disorder. Also called: MYCBP2-related condition.

Allele frequency attached by ClinVar (database versions not stated): gnomAD exomes 0.00003; ExAC 0.00013; 1000 Genomes Project 30x 0.00016; 1000 Genomes Project 0.00020; TOPMed 0.00028; ESP Exome Variant Server 0.00031; gnomAD 0.00032.
gnomAD v4.1: 99 of 1,584,010 alleles (0.0062%); highest among the groups gnomAD compares: African/African-American, 0.13%; no homozygotes.

Submission:

PreventionGenetics, part of Exact Sciences
Classification: Likely benign for MYCBP2-related condition. Last evaluated: 2019-02-19. Review status: no assertion criteria provided. Collection method: clinical testing. Allele origin: germline.
Comment: This variant is classified as likely benign based on ACMG/AMP sequence variant interpretation guidelines (Richards et al. 2015 PMID: 25741868, with internal and published modifications).